The following is an entry in ClinVar:

ClinVar aggregate classification (germline): Uncertain significance. Review status: criteria provided, multiple submitters, no conflicts (2 of 4 stars). 3 submissions from 3 submitters: Uncertain significance (3). Last evaluated 2026-01-08.

Conditions:
VCL-related disorder. Also called: VCL-related condition.
Cardiovascular phenotype. Identifiers: MedGen CN230736.
Dilated cardiomyopathy 1W (CMD1W). Identifiers: Orphanet 154, MedGen C1969639, MONDO:0012667, OMIM 611407.

Allele frequency attached by ClinVar (database versions not stated): gnomAD exomes below 0.00001 and 0.00001; ExAC 0.00002.
gnomAD v4.1: 3 of 1,614,202 alleles (0.00019%); highest among the groups gnomAD compares: Admixed American, 0.0017%; no homozygotes.

Submissions (3):

Ambry Genetics
Classification: Uncertain significance for Cardiovascular phenotype. Last evaluated: 2026-01-08. Review status: criteria provided, single submitter. Criteria: Ambry Variant Classification Scheme 2023. Collection method: clinical testing. Allele origin: germline.
Comment: The p.D423G variant (also known as c.1268A>G), located in coding exon 10 of the VCL gene, results from an A to G substitution at nucleotide position 1268. The aspartic acid at codon 423 is replaced by glycine, an amino acid with similar properties. This amino acid position is not well conserved in available vertebrate species. In addition, the in silico prediction for this alteration is inconclusive. Based on the available evidence, the clinical significance of this variant remains unclear.

PreventionGenetics, part of Exact Sciences
Classification: Uncertain significance for VCL-related condition. Last evaluated: 2025-09-16. Review status: criteria provided, single submitter. Criteria: ACMG Guidelines, 2015. Collection method: clinical testing. Allele origin: germline.
Comment: The VCL c.1268A>G variant is predicted to result in the amino acid substitution p.Asp423Gly. To our knowledge, this variant has not been reported in the literature. This variant is reported in 0.0046% of alleles in individuals of European (Finnish) descent in gnomAD. At this time, the clinical significance of this variant is uncertain due to the absence of conclusive functional and genetic evidence.

Labcorp Genetics (formerly Invitae), Labcorp
Classification: Uncertain significance for Dilated cardiomyopathy 1W. Last evaluated: 2022-02-10. Review status: criteria provided, single submitter. Criteria: Invitae Variant Classification Sherloc (09022015). Collection method: clinical testing. Allele origin: germline.
Comment: This variant has not been reported in the literature in individuals affected with VCL-related conditions. ClinVar contains an entry for this variant (Variation ID: 468804). This variant is present in population databases (rs769504902, gnomAD 0.004%). This sequence change replaces aspartic acid, which is acidic and polar, with glycine, which is neutral and non-polar, at codon 423 of the VCL protein (p.Asp423Gly). Algorithms developed to predict the effect of missense changes on protein structure and function are either unavailable or do not agree on the potential impact of this missense change (SIFT: "Not Available"; PolyPhen-2: "Benign"; Align-GVGD: "Not Available"). In summary, the available evidence is currently insufficient to determine the role of this variant in disease. Therefore, it has been classified as a Variant of Uncertain Significance.

NM_014000.3(VCL):c.1268A>G (p.Asp423Gly)

Gene: VCL (vinculin; plus strand). Cytogenetic location: 10q22.2.
Variant type: single nucleotide variant.
Coding change: c.1268A>G on transcript NM_014000.3 (MANE Select); coding-DNA position 1268, A replaced by G.
Protein change: p.Asp423Gly; replaces aspartic acid 423 with glycine.
Molecular consequence: missense variant.
Genome position (GRCh38, 1-based): chr10:74,090,114, A>G. VCF-style: chr10-74090114-A-G. GRCh37 (hg19) VCF-style: chr10-75849872-A-G.
Other names: c.1268A>G, p.Asp423Gly (NM_003373.4); short protein forms D423G.
Identifiers: ClinVar variation 468804 (VCV000468804.11), dbSNP rs769504902, ClinGen allele CA5562965.
Genomic context (GRCh38, chr10:74,090,114, plus strand): 5'-AAGGAGAAGAGCAGATTCGAGGTGCTTTGGCTGAAGCTCGGAAAATAGCAGAATTATGTG[A>G]TGATCCTAAAGAAAGAGATGACATTCTACGTTCCCTTGGGGAAATATCTGCTCTGACTTC-3'
Protein context (NP_054706.1, residues 413-433): AEARKIAELC[Asp423Gly]DPKERDDILR